The following is an entry in ClinVar:

NM_001035.3(RYR2):c.4854G>T (p.Leu1618Phe)

Gene: RYR2 (ryanodine receptor 2; plus strand). Cytogenetic location: 1q43.
Variant type: single nucleotide variant.
Coding change: c.4854G>T on transcript NM_001035.3 (MANE Select); coding-DNA position 4854, G replaced by T.
Protein change: p.Leu1618Phe; replaces leucine 1618 with phenylalanine.
Molecular consequence: missense variant.
Genome position (GRCh38, 1-based): chr1:237,610,932, G>T. VCF-style: chr1-237610932-G-T. GRCh37 (hg19) VCF-style: chr1-237774232-G-T.
Other names: short protein forms L1618F.
Identifiers: ClinVar variation 3719148 (VCV003719148.2).

ClinVar aggregate classification (germline): Uncertain significance (1 of 4 stars; one submission).

Conditions:
Catecholaminergic polymorphic ventricular tachycardia 1. Also called: VENTRICULAR TACHYCARDIA, STRESS-INDUCED POLYMORPHIC 1; VENTRICULAR TACHYCARDIA, CATECHOLAMINERGIC POLYMORPHIC, 1, WITH OR WITHOUT ATRIAL DYSFUNCTION AND/OR DILATED CARDIOMYOPATHY; RYR2-Related Catecholaminergic Polymorphic Ventricular Tachycardia. Identifiers: Orphanet 3286, MedGen C1631597, MONDO:0011484, OMIM 604772.

Submission:

Labcorp Genetics (formerly Invitae), Labcorp
Classification: Uncertain significance for Catecholaminergic polymorphic ventricular tachycardia 1. Last evaluated: 2024-08-21. Review status: criteria provided, single submitter. Criteria: Invitae Variant Classification Sherloc (09022015). Collection method: clinical testing. Allele origin: germline.
Comment: This sequence change replaces leucine, which is neutral and non-polar, with phenylalanine, which is neutral and non-polar, at codon 1618 of the RYR2 protein (p.Leu1618Phe). This variant is not present in population databases (gnomAD no frequency). This variant has not been reported in the literature in individuals affected with RYR2-related conditions. Invitae Evidence Modeling of protein sequence and biophysical properties (such as structural, functional, and spatial information, amino acid conservation, physicochemical variation, residue mobility, and thermodynamic stability) indicates that this missense variant is not expected to disrupt RYR2 protein function with a negative predictive value of 95%. In summary, the available evidence is currently insufficient to determine the role of this variant in disease. Therefore, it has been classified as a Variant of Uncertain Significance.